The following is an entry in ClinVar:

ClinVar aggregate classification (germline): Pathogenic/Likely pathogenic. Review status: criteria provided, multiple submitters, no conflicts (2 of 4 stars). 4 submissions from 4 submitters: Pathogenic (1); Likely pathogenic (3). Last evaluated 2025-06-17.

Conditions:
Autosomal recessive distal spinal muscular atrophy 1. Also called: NEURONOPATHY, DISTAL HEREDITARY MOTOR, HARDING TYPE VI; NEUROPATHY, DISTAL HEREDITARY MOTOR, AUTOSOMAL RECESSIVE 1; NEURONOPATHY, SEVERE INFANTILE AXONAL, WITH RESPIRATORY FAILURE; SEVERE INFANTILE AXONAL NEUROPATHY WITH RESPIRATORY FAILURE; SPINAL MUSCULAR ATROPHY, DIAPHRAGMATIC; Spinal muscular atrophy with respiratory distress 1. Identifiers: Orphanet 98920, MedGen C1858517, MONDO:0011436, OMIM 604320.
Charcot-Marie-Tooth disease axonal type 2S. Also called: CHARCOT-MARIE-TOOTH NEUROPATHY, TYPE 2S; CHARCOT-MARIE-TOOTH DISEASE, AXONAL, AUTOSOMAL RECESSIVE, TYPE 2S. Identifiers: Orphanet 443073, MedGen C4015349, MONDO:0014511, OMIM 616155.

Allele frequency attached by ClinVar (database versions not stated): gnomAD exomes below 0.00001; TOPMed below 0.00001; gnomAD 0.00001.

Submissions (4):

Labcorp Genetics (formerly Invitae), Labcorp
Classification: Pathogenic for Autosomal recessive distal spinal muscular atrophy 1; Charcot-Marie-Tooth disease axonal type 2S. Last evaluated: 2025-06-17. Review status: criteria provided, single submitter. Criteria: Invitae Variant Classification Sherloc (09022015). Collection method: clinical testing. Allele origin: germline.
Comment: This sequence change replaces glycine, which is neutral and non-polar, with serine, which is neutral and polar, at codon 354 of the IGHMBP2 protein (p.Gly354Ser). This variant also falls at the last nucleotide of exon 7, which is part of the consensus splice site for this exon. This variant is present in population databases (no rsID available, gnomAD 0.005%). This missense change has been observed in individual(s) with clinical features of IGHMBP2-related conditions (PMID: 16964485, 28397221, 32154989). In at least one individual the data is consistent with being in trans (on the opposite chromosome) from a pathogenic variant. ClinVar contains an entry for this variant (Variation ID: 287977). An algorithm developed to predict the effect of missense changes on protein structure and function (PolyPhen-2) suggests that this variant is likely to be disruptive. Variants that disrupt the consensus splice site are a relatively common cause of aberrant splicing (PMID: 17576681, 9536098). Algorithms developed to predict the effect of sequence changes on RNA splicing suggest that this variant may disrupt the consensus splice site. For these reasons, this variant has been classified as Pathogenic.

Women's Health and Genetics/Laboratory Corporation of America, LabCorp
Classification: Likely pathogenic for Autosomal recessive distal spinal muscular atrophy 1. Last evaluated: 2024-12-16. Review status: criteria provided, single submitter. Criteria: LabCorp Variant Classification Summary - May 2015. Collection method: clinical testing. Allele origin: germline.
Comment: Variant summary: IGHMBP2 c.1060G>A (p.Gly354Ser) results in a non-conservative amino acid change located in the DEAD-like helicases superfamily domain (IPR014001) of the encoded protein sequence. Five of five in-silico tools predict a damaging effect of the variant on protein function. Several computational tools predict a significant impact on normal splicing: Four predict the variant weakens a 5' donor site. One predicts the variant abolishes a cryptic 3' acceptor site. However, these predictions have yet to be confirmed by functional studies. The variant allele was found at a frequency of 4e-06 in 251356 control chromosomes. c.1060G>A has been reported in the presumed or confirmed compound heterozygous state in the literature in multiple individuals affected with Autosomal recessive distal spinal muscular atrophy 1 (example, Eckart_2012, Giannini_2006, Litvinenko_2014, Taiana_2022, Tsang_2020, Wu_2018). These data indicate that the variant may be associated with disease. At least one publication reports experimental evidence evaluating an impact on protein function in patient cells, however, does not allow convincing conclusions about the variant effect (example, Taiana_2022). The following publications have been ascertained in the context of this evaluation (PMID: 22157136, 16964485, 23449687, 35086940, 32154989, 29653221). ClinVar contains an entry for this variant (Variation ID: 287977). Based on the evidence outlined above, the variant was classified as likely pathogenic.

Eurofins Ntd Llc (ga)
Classification: Likely pathogenic. Last evaluated: 2016-10-12. Review status: criteria provided, single submitter. Criteria: EGL Classification Definitions 2015. Collection method: clinical testing. Allele origin: germline. Observed: 3 variant alleles, 3 heterozygotes.

Juno Genomics, Hangzhou Juno Genomics, Inc
Classification: Likely pathogenic for Autosomal recessive distal spinal muscular atrophy 1; Charcot-Marie-Tooth disease axonal type 2S. Review status: criteria provided, single submitter. Criteria: ACMG Guidelines, 2015. Collection method: clinical testing. Allele origin: germline.
Comment: Absent from controls (or at extremely low frequency if recessive) in Genome Aggregation Database.;Multiple lines of computational evidence support a deleterious effect on the gene or gene product.;For recessive disorders, detected in trans with a pathogenic variant.;Patient's phenotype or family history is highly specific for a disease with a single genetic etiology.

Literature cited by the submitters: PubMed 16964485 (cited by 3 submitters); PubMed 28397221 (cited by Labcorp Genetics (formerly Invitae), Labcorp); PubMed 32154989 (cited by Labcorp Genetics (formerly Invitae), Labcorp and Women's Health and Genetics/Laboratory Corporation of America, LabCorp); PubMed 17576681 (cited by Labcorp Genetics (formerly Invitae), Labcorp); PubMed 9536098 (cited by Labcorp Genetics (formerly Invitae), Labcorp); PubMed 29653221 (cited by Women's Health and Genetics/Laboratory Corporation of America, LabCorp); PubMed 22157136 (cited by Women's Health and Genetics/Laboratory Corporation of America, LabCorp); PubMed 23449687 (cited by Women's Health and Genetics/Laboratory Corporation of America, LabCorp and Eurofins Ntd Llc (ga)); PubMed 35086940 (cited by Women's Health and Genetics/Laboratory Corporation of America, LabCorp).

NM_002180.3(IGHMBP2):c.1060G>A (p.Gly354Ser)

Gene: IGHMBP2 (immunoglobulin mu DNA binding protein 2; plus strand). Cytogenetic location: 11q13.3.
Variant type: single nucleotide variant.
Coding change: c.1060G>A on transcript NM_002180.3 (MANE Select); coding-DNA position 1060, G replaced by A.
Protein change: p.Gly354Ser; replaces glycine 354 with serine.
Molecular consequence: missense variant.
Genome position (GRCh38, 1-based): chr11:68,917,883, G>A. VCF-style: chr11-68917883-G-A. GRCh37 (hg19) VCF-style: chr11-68685351-G-A.
Other names: short protein forms G354S.
Identifiers: ClinVar variation 287977 (VCV000287977.15), dbSNP rs886043773, ClinGen allele CA10605930.
Genomic context (GRCh38, chr11:68,917,883, plus strand): 5'-GAAGAAGCAGCTATGCTCGAGAGCCTCACTTCGGCAAACGTGGTCCTTGCAACAAACACA[G>A]GTGAGGGGGCGTCTCCATCCTGCCTGTGTGGCCTCGAAGAAGGAGTTGGGGTGTGTTCCC-3'
Protein context (NP_002171.2, residues 344-364): SANVVLATNT[Gly354Ser]ASADGPLKLL